The following is an entry in ClinVar:

NM_138927.4(SON):c.5926C>T (p.Arg1976Cys)

Gene: SON (SON DNA and RNA binding protein; plus strand). Cytogenetic location: 21q22.11.
Variant type: single nucleotide variant.
Coding change: c.5926C>T on transcript NM_138927.4 (MANE Select); coding-DNA position 5926, C replaced by T.
Protein change: p.Arg1976Cys; replaces arginine 1976 with cysteine.
Molecular consequence: missense variant. On other transcripts: non-coding transcript variant (1), intron variant (1).
Genome position (GRCh38, 1-based): chr21:33,555,157, C>T. VCF-style: chr21-33555157-C-T. GRCh37 (hg19) VCF-style: chr21-34927463-C-T.
Other names: c.5926C>T, p.Arg1976Cys (NM_001291411.2, NM_032195.3); c.245-1999C>T (NM_001291412.3); short protein forms R1976C.
Identifiers: ClinVar variation 3615550 (VCV003615550.2).

ClinVar aggregate classification (germline): Uncertain significance (1 of 4 stars; one submission).

gnomAD v4.1: 5 of 1,514,016 alleles (0.00033%); highest among the groups gnomAD compares: East Asian, 0.0054%; no homozygotes.

Submission:

Labcorp Genetics (formerly Invitae), Labcorp
Classification: Uncertain significance. Last evaluated: 2024-10-20. Review status: criteria provided, single submitter. Criteria: Invitae Variant Classification Sherloc (09022015). Collection method: clinical testing. Allele origin: germline.
Comment: This sequence change replaces arginine, which is basic and polar, with cysteine, which is neutral and slightly polar, at codon 1976 of the SON protein (p.Arg1976Cys). The frequency data for this variant in the population databases is considered unreliable, as metrics indicate poor data quality at this position in the gnomAD database. This variant has not been reported in the literature in individuals affected with SON-related conditions. Experimental studies and prediction algorithms are not available or were not evaluated, and the functional significance of this variant is currently unknown. In summary, the available evidence is currently insufficient to determine the role of this variant in disease. Therefore, it has been classified as a Variant of Uncertain Significance.